The following is an entry in ClinVar:

ClinVar aggregate classification (germline): Uncertain significance (1 of 4 stars; one submission).

gnomAD v4.1: 1 of 1,614,130 alleles (0.000062%); highest among the groups gnomAD compares: Non-Finnish European, 0.000085%; no homozygotes.

Submission:

Labcorp Genetics (formerly Invitae), Labcorp
Classification: Uncertain significance. Last evaluated: 2025-01-21. Review status: criteria provided, single submitter. Criteria: Invitae Variant Classification Sherloc (09022015). Collection method: clinical testing. Allele origin: germline.
Comment: This sequence change replaces serine, which is neutral and polar, with phenylalanine, which is neutral and non-polar, at codon 884 of the CSF2RB protein (p.Ser884Phe). This variant is not present in population databases (gnomAD no frequency). This variant has not been reported in the literature in individuals affected with CSF2RB-related conditions. An algorithm developed to predict the effect of missense changes on protein structure and function (PolyPhen-2) suggests that this variant is likely to be disruptive. In summary, the available evidence is currently insufficient to determine the role of this variant in disease. Therefore, it has been classified as a Variant of Uncertain Significance.

NM_000395.3(CSF2RB):c.2651C>T (p.Ser884Phe)

Gene: CSF2RB (colony stimulating factor 2 receptor subunit beta; plus strand). Cytogenetic location: 22q12.3.
Variant type: single nucleotide variant.
Coding change: c.2651C>T on transcript NM_000395.3 (MANE Select); coding-DNA position 2651, C replaced by T.
Protein change: p.Ser884Phe; replaces serine 884 with phenylalanine.
Molecular consequence: missense variant.
Genome position (GRCh38, 1-based): chr22:36,938,459, C>T. VCF-style: chr22-36938459-C-T. GRCh37 (hg19) VCF-style: chr22-37334501-C-T.
Other names: short protein forms S884F.
Identifiers: ClinVar variation 3729295 (VCV003729295.2), dbSNP rs142858660.